The following is an entry in ClinVar:

NM_000321.3(RB1):c.2520+5G>A

Gene: RB1 (RB transcriptional corepressor 1; plus strand). Cytogenetic location: 13q14.2.
Variant type: single nucleotide variant.
Coding change: c.2520+5G>A on transcript NM_000321.3 (MANE Select); 5 bases into the intron after coding-DNA position 2520, G replaced by A.
Molecular consequence: intron variant.
Genome position (GRCh38, 1-based): chr13:48,473,395, G>A. VCF-style: chr13-48473395-G-A. GRCh37 (hg19) VCF-style: chr13-49047531-G-A.
Identifiers: ClinVar variation 428703 (VCV000428703.15), dbSNP rs1131690881, ClinGen allele CA645369529.

ClinVar aggregate classification (germline): Pathogenic/Likely pathogenic. Review status: criteria provided, multiple submitters, no conflicts (2 of 4 stars). 3 submissions from 3 submitters: Pathogenic (1); Likely pathogenic (2). Last evaluated 2025-10-13.

Conditions:
Hereditary cancer-predisposing syndrome. Also called: Neoplastic Syndromes, Hereditary; Hereditary Cancer Syndrome; Tumor predisposition; Hereditary neoplastic syndrome. Identifiers: Orphanet 140162, MedGen C0027672, MeSH D009386, MONDO:0015356.
Retinoblastoma (RB1). Also called: RETINOBLASTOMA, SOMATIC. Identifiers: Orphanet 790, MedGen C0035335, MeSH D012175, MONDO:0008380, OMIM 180200, HP:0009919. Disease mechanism: loss of function. Inheritance: Both sporadic and heritable forms are tested..

Submissions (3):

Labcorp Genetics (formerly Invitae), Labcorp
Classification: Pathogenic for Retinoblastoma. Last evaluated: 2025-10-13. Review status: criteria provided, single submitter. Criteria: Invitae Variant Classification Sherloc (09022015). Collection method: clinical testing. Allele origin: germline.
Comment: This sequence change falls in intron 24 of the RB1 gene. It does not directly change the encoded amino acid sequence of the RB1 protein. It affects a nucleotide within the consensus splice site. This variant is not present in population databases (gnomAD no frequency). This variant has been observed in individual(s) with bilateral retinoblastoma (PMID: 15605413; internal data). This variant is also known as g.170402+5G>A. ClinVar contains an entry for this variant (Variation ID: 428703). Variants that disrupt the consensus splice site are a relatively common cause of aberrant splicing (PMID: 17576681, 9536098). Algorithms developed to predict the effect of sequence changes on RNA splicing suggest that this variant may disrupt the consensus splice site. For these reasons, this variant has been classified as Pathogenic.

Genetic Diagnostic Laboratory, University of Pennsylvania School of Medicine
Classification: Likely pathogenic for Retinoblastoma. Last evaluated: 2024-05-20. Review status: criteria provided, single submitter. Criteria: ACMG Guidelines, 2015. Collection method: clinical testing. Allele origin: germline. Affected: yes. Observed: 2 variant alleles.
Comment: Case and Pedigree Information: BILATERAL CASES:2, UNILATERAL CASES:0, TOTAL CASES:2, PEDIGREES:2. ACMG Codes Applied:PM2, PS4SUP, PP3, PP5

Ambry Genetics
Classification: Likely pathogenic for Hereditary cancer-predisposing syndrome. Last evaluated: 2015-01-27. Review status: criteria provided, single submitter. Criteria: Ambry Variant Classification Scheme 2023. Collection method: clinical testing. Allele origin: germline.
Comment: The c.2520+5G>A intronic variant results from a G to A substitution 5 nucleotides after coding exon 24 in the RB1 gene. This variant has been described in two unrelated individuals with bilateral retinoblastoma (Alonso J et al. Hum. Mutat. 2005 Jan; 25(1):99). This variant was not reported in population based cohorts in the following databases: Database of Single Nucleotide Polymorphisms (dbSNP), NHLBI Exome Sequencing Project (ESP), and 1000 Genomes Project. In the ESP, this variant was not observed in 6494 samples (12988 alleles) with coverage at this position. To date, this alteration has been detected with an allele frequency of approximately 0.25% (greater than 400 alleles tested) in our clinical cohort. This nucleotide position is highly conserved in available vertebrate species. Using the BDGP and ESEfinder splice site prediction tools, this alteration is predicted to weaken the efficiency of the native donor splice site; however, direct evidence is unavailable. Based on the majority of available evidence to date, this variant is likely to be pathogenic.

Literature cited by the submitters: PubMed 15605413 (cited by Labcorp Genetics (formerly Invitae), Labcorp and Ambry Genetics); PubMed 17576681 (cited by Labcorp Genetics (formerly Invitae), Labcorp); PubMed 9536098 (cited by Labcorp Genetics (formerly Invitae), Labcorp).